The following is an entry in ClinVar:

NM_176787.5(PIGN):c.2010T>C (p.Thr670=)

Gene: PIGN (phosphatidylinositol glycan anchor biosynthesis class N; minus strand). Cytogenetic location: 18q21.33.
Variant type: single nucleotide variant.
Coding change: c.2010T>C on transcript NM_176787.5 (MANE Select); coding-DNA position 2010, T replaced by C.
Protein change: p.Thr670=; no amino-acid change (threonine 670 retained).
Molecular consequence: synonymous variant.
Genome position (GRCh38, 1-based): chr18:62,101,142, A>G on the plus strand (T>C on the coding strand, the complement: PIGN is on the minus strand). VCF-style: chr18-62101142-A-G. GRCh37 (hg19) VCF-style: chr18-59768375-A-G.
Other names: p.Thr670=; c.2010T>C, p.Thr670= (NM_012327.6).
Identifiers: ClinVar variation 403300 (VCV000403300.22), dbSNP rs17714063, ClinGen allele CA8982112.

ClinVar aggregate classification (germline): Benign. Review status: criteria provided, multiple submitters, no conflicts (2 of 4 stars). 7 submissions from 7 submitters: Benign (7). Last evaluated 2026-02-04.

Conditions:
Inborn genetic diseases. Identifiers: MedGen C0950123, MeSH D030342.
Multiple congenital anomalies-hypotonia-seizures syndrome 1 (MCAHS1). Also called: PIGN-CDG; Congenital disorder of glycosylation due to PIGN deficiency; GLYCOSYLPHOSPHATIDYLINOSITOL BIOSYNTHESIS DEFECT 3. Identifiers: Orphanet 280633, MedGen C3279775, MONDO:0013563, OMIM 614080.

Allele frequency attached by ClinVar (database versions not stated): gnomAD exomes 0.22521 and 0.17760; 1000 Genomes Project 30x 0.09354; 1000 Genomes Project 0.09565; TOPMed 0.15894; gnomAD 0.16970 and 0.17242; ExAC 0.17626; ESP Exome Variant Server 0.18870.
gnomAD v4.1: 352,494 of 1,606,734 alleles (22%); highest among the groups gnomAD compares: Non-Finnish European, 25%; 42,976 homozygotes.

Submissions (7):

Labcorp Genetics (formerly Invitae), Labcorp
Classification: Benign for Multiple congenital anomalies-hypotonia-seizures syndrome 1. Last evaluated: 2026-02-04. Review status: criteria provided, single submitter. Criteria: Invitae Variant Classification Sherloc (09022015). Collection method: clinical testing. Allele origin: germline.

Blueprint Genetics
Classification: Benign. Last evaluated: 2024-11-28. Review status: criteria provided, single submitter. Criteria: ACMG Guidelines, 2015. Collection method: clinical testing. Allele origin: germline.

Mayo Clinic Laboratories, Mayo Clinic
Classification: Benign. Last evaluated: 2021-11-29. Review status: criteria provided, single submitter. Criteria: ACMG Guidelines, 2015. Collection method: clinical testing. Allele origin: germline. Observed: 99 variant alleles.

GeneDx
Classification: Benign. Last evaluated: 2018-07-05. Review status: criteria provided, single submitter. Criteria: GeneDx Variant Classification Process June 2021. Collection method: clinical testing. Allele origin: germline. Affected: yes.

Laboratory for Molecular Medicine, Mass General Brigham Personalized Medicine
Classification: Benign. Last evaluated: 2016-03-29. Review status: criteria provided, single submitter. Criteria: LMM Criteria. Collection method: clinical testing. Allele origin: germline.
Comment: Variant identified in a genome or exome case(s) and assessed due to predicted null impact of the variant or pathogenic assertions in the literature or databases. Disclaimer: This variant has not undergone full assessment. The following are preliminary notes: Frequency

Ambry Genetics
Classification: Benign for Inborn genetic diseases. Last evaluated: 2016-03-19. Review status: criteria provided, single submitter. Criteria: Ambry Variant Classification Scheme 2023. Collection method: clinical testing. Allele origin: germline.

Breakthrough Genomics
Classification: Benign. Review status: criteria provided, single submitter. Criteria: ACMG Guidelines, 2015. Collection method: not provided. Allele origin: germline. Inheritance: Autosomal recessive inheritance. Affected: yes.